The following is an entry in ClinVar:

NM_000163.5(GHR):c.1088A>G (p.Asp363Gly)

Gene: GHR (growth hormone receptor; plus strand). Cytogenetic location: 5p12.
Variant type: single nucleotide variant.
Coding change: c.1088A>G on transcript NM_000163.5 (MANE Select); coding-DNA position 1088, A replaced by G.
Protein change: p.Asp363Gly; replaces aspartic acid 363 with glycine.
Molecular consequence: missense variant. On other transcripts: 3 prime UTR variant (1).
Genome position (GRCh38, 1-based): chr5:42,718,595, A>G. VCF-style: chr5-42718595-A-G. GRCh37 (hg19) VCF-style: chr5-42718697-A-G.
Other names: c.1109A>G, p.Asp370Gly (NM_001242399.2); c.1088A>G, p.Asp363Gly (NM_001242400.2, NM_001242401.4, NM_001242402.2 and 4 more transcripts); c.1022A>G, p.Asp341Gly (NM_001242460.2); c.*130A>G (NM_001242462.1); c.1088A>G (NM_000163.4); short protein forms D363G, D341G, D370G.
Identifiers: ClinVar variation 281869 (VCV000281869.8), dbSNP rs575168546, ClinGen allele CA3254587.

ClinVar aggregate classification (germline): Uncertain significance. Review status: criteria provided, multiple submitters, no conflicts (2 of 4 stars). 3 submissions from 3 submitters: Uncertain significance (3). Last evaluated 2025-09-28.

Conditions:
Inborn genetic diseases. Identifiers: MedGen C0950123, MeSH D030342.

Allele frequency attached by ClinVar (database versions not stated): gnomAD exomes below 0.00001 and 0.00002; ExAC 0.00002; gnomAD 0.00009 and 0.00010; TOPMed 0.00009; 1000 Genomes Project 30x 0.00016; 1000 Genomes Project 0.00020.
gnomAD v4.1: 20 of 1,614,172 alleles (0.0012%); highest among the groups gnomAD compares: African/African-American, 0.025%; no homozygotes.

Submissions (3):

Labcorp Genetics (formerly Invitae), Labcorp
Classification: Uncertain significance. Last evaluated: 2025-09-28. Review status: criteria provided, single submitter. Criteria: Invitae Variant Classification Sherloc (09022015). Collection method: clinical testing. Allele origin: germline.
Comment: This sequence change replaces aspartic acid, which is acidic and polar, with glycine, which is neutral and non-polar, at codon 363 of the GHR protein (p.Asp363Gly). This variant is present in population databases (rs575168546, gnomAD 0.02%). This variant has not been reported in the literature in individuals affected with GHR-related conditions. ClinVar contains an entry for this variant (Variation ID: 281869). Invitae Evidence Modeling of protein sequence and biophysical properties (such as structural, functional, and spatial information, amino acid conservation, physicochemical variation, residue mobility, and thermodynamic stability) indicates that this missense variant is not expected to disrupt GHR protein function with a negative predictive value of 80%. In summary, the available evidence is currently insufficient to determine the role of this variant in disease. Therefore, it has been classified as a Variant of Uncertain Significance.

Ambry Genetics
Classification: Uncertain significance for Inborn genetic diseases. Last evaluated: 2023-12-18. Review status: criteria provided, single submitter. Criteria: Ambry Variant Classification Scheme 2023. Collection method: clinical testing. Allele origin: germline.

Eurofins Ntd Llc (ga)
Classification: Uncertain significance. Last evaluated: 2015-07-20. Review status: criteria provided, single submitter. Criteria: EGL Classification Definitions 2015. Collection method: clinical testing. Allele origin: germline. Observed: 1 variant allele, 1 heterozygote.